The following is an entry in ClinVar:

ClinVar aggregate classification (germline): Likely benign (0 of 4 stars; one submission).

Conditions:
FSCN2-related disorder. Also called: FSCN2-related condition.

Allele frequency attached by ClinVar (database versions not stated): TOPMed 0.00001.

Submission:

PreventionGenetics, part of Exact Sciences
Classification: Likely benign for FSCN2-related condition. Last evaluated: 2019-02-22. Review status: no assertion criteria provided. Collection method: clinical testing. Allele origin: germline.
Comment: This variant is classified as likely benign based on ACMG/AMP sequence variant interpretation guidelines (Richards et al. 2015 PMID: 25741868, with internal and published modifications).

NM_012418.4(FSCN2):c.423C>T (p.Ala141=)

Gene: FSCN2 (fascin actin-bundling protein 2, retinal; plus strand). Cytogenetic location: 17q25.3.
Variant type: single nucleotide variant.
Coding change: c.423C>T on transcript NM_012418.4 (MANE Select); coding-DNA position 423, C replaced by T.
Protein change: p.Ala141=; no amino-acid change (alanine 141 retained).
Molecular consequence: synonymous variant.
Genome position (GRCh38, 1-based): chr17:81,528,954, C>T. VCF-style: chr17-81528954-C-T. GRCh37 (hg19) VCF-style: chr17-79495980-C-T.
Other names: c.423C>T, p.Ala141= (NM_001077182.3).
Identifiers: ClinVar variation 3046545 (VCV003046545.2), dbSNP rs1256667797, ClinGen allele CA502419553.